The following is an entry in ClinVar:

ClinVar aggregate classification (germline): Uncertain significance (1 of 4 stars; one submission).

gnomAD v4.1: 22 of 1,600,004 alleles (0.0014%); highest among the groups gnomAD compares: Non-Finnish European, 0.0018%; no homozygotes.

Submission:

Labcorp Genetics (formerly Invitae), Labcorp
Classification: Uncertain significance. Last evaluated: 2020-07-20. Review status: criteria provided, single submitter. Criteria: Invitae Variant Classification Sherloc (09022015). Collection method: clinical testing. Allele origin: germline.
Comment: This sequence change replaces valine with phenylalanine at codon 91 of the DNAAF4 protein (p.Val91Phe). The valine residue is moderately conserved and there is a small physicochemical difference between valine and phenylalanine. This variant also falls at the last nucleotide of exon 3 of the DNAAF4 coding sequence, which is part of the consensus splice site for this exon. This variant is not present in population databases (ExAC no frequency). This variant has not been reported in the literature in individuals with DNAAF4-related conditions. Algorithms developed to predict the effect of missense changes on protein structure and function are either unavailable or do not agree on the potential impact of this missense change (SIFT: "Deleterious"; PolyPhen-2: "Benign"; Align-GVGD: "Class C0"). Nucleotide substitutions within the consensus splice site are a relatively common cause of aberrant splicing (PMID: 17576681, 9536098). Algorithms developed to predict the effect of sequence changes on RNA splicing suggest that this variant may disrupt the consensus splice site, but this prediction has not been confirmed by published transcriptional studies. In summary, the available evidence is currently insufficient to determine the role of this variant in disease. Therefore, it has been classified as a Variant of Uncertain Significance.

Literature cited by the submitters: PubMed 17576681; PubMed 9536098.

NM_130810.4(DNAAF4):c.271G>T (p.Val91Phe)

Genes: DNAAF4 (dynein axonemal assembly factor 4; minus strand), DNAAF4-CCPG1 (DNAAF4-CCPG1 readthrough (NMD candidate); minus strand). Cytogenetic location: 15q21.3.
Variant type: single nucleotide variant.
Coding change: c.271G>T on transcript NM_130810.4 (MANE Select); coding-DNA position 271, G replaced by T.
Protein change: p.Val91Phe; replaces valine 91 with phenylalanine.
Molecular consequence: missense variant. On other transcripts: non-coding transcript variant (1).
Genome position (GRCh38, 1-based): chr15:55,497,712, C>A on the plus strand (G>T on the coding strand, the complement: DNAAF4 is on the minus strand). VCF-style: chr15-55497712-C-A. GRCh37 (hg19) VCF-style: chr15-55789910-C-A.
Other names: c.271G>T, p.Val91Phe (NM_001033559.3, NM_001033560.2); short protein forms V91F.
Identifiers: ClinVar variation 1013641 (VCV001013641.6), dbSNP rs17819126, ClinGen allele CA392552334.